The following is an entry in ClinVar:

ClinVar aggregate classification (germline): Uncertain significance (1 of 4 stars; one submission).

Conditions:
Atrial fibrillation, familial, 11 (ATFB11). Identifiers: MedGen C3279693, MONDO:0013544, OMIM 614049.
Atrial standstill 1 (ATRST1). Also called: Atrial standstill, digenic (GJA5/SCN5A); ATRIAL CARDIOMYOPATHY WITH HEART BLOCK; CARDIOMYOPATHY, FAMILIAL, WITH CONDUCTION DISTURBANCE. Identifiers: Orphanet 1344, MedGen C4551959, MONDO:0007171, OMIM 108770.

Allele frequency attached by ClinVar (database versions not stated): ExAC 0.00001; gnomAD exomes 0.00001; TOPMed 0.00002.

Submission:

Labcorp Genetics (formerly Invitae), Labcorp
Classification: Uncertain significance for Atrial fibrillation, familial, 11; Atrial standstill 1. Last evaluated: 2023-07-24. Review status: criteria provided, single submitter. Criteria: Invitae Variant Classification Sherloc (09022015). Collection method: clinical testing. Allele origin: germline.
Comment: This sequence change creates a premature translational stop signal (p.Tyr123*) in the GJA5 gene. While this is not anticipated to result in nonsense mediated decay, it is expected to disrupt the last 236 amino acid(s) of the GJA5 protein. This variant is present in population databases (rs782626477, gnomAD 0.002%). This variant has not been reported in the literature in individuals affected with GJA5-related conditions. ClinVar contains an entry for this variant (Variation ID: 1483092). Experimental studies and prediction algorithms are not available or were not evaluated, and the functional significance of this variant is currently unknown. In summary, the available evidence is currently insufficient to determine the role of this variant in disease. Therefore, it has been classified as a Variant of Uncertain Significance.

NM_181703.4(GJA5):c.369_370del (p.Tyr123_Glu124delinsTer)

Gene: GJA5 (gap junction protein alpha 5; minus strand). Cytogenetic location: 1q21.2.
Variant type: Deletion.
Coding change: c.369_370del on transcript NM_181703.4 (MANE Select); coding-DNA positions 369 to 370, 2 bases deleted (CG; older notation c.369_370delCG).
Protein change: p.Tyr123_Glu124delinsTer.
Molecular consequence: nonsense.
Genome position (GRCh38, 1-based): chr1:147,758,869-147,758,870, CG deleted on the plus strand (CG on the coding strand, the reverse complement: GJA5 is on the minus strand). VCF-style (leftmost placement, unchanged base first): chr1-147758868-TCG-T. GRCh37 (hg19) VCF-style: chr1-147230976-TCG-T.
Other names: c.369_370del, p.Tyr123_Glu124delinsTer (NM_005266.7).
Identifiers: ClinVar variation 1483092 (VCV001483092.6), dbSNP rs782626477, ClinGen allele CA1065774.
Genomic context (GRCh38, chr1:147,758,868, plus strand): 5'-GCAATCCTTCCATTCCCTTCCTCCCAGCAGGACAGTTCTGCCTTCTCTGCCACCGGGTAC[TCG>T]TAAGAGCCAGAGCCCCGGACCTCTTTGGCCCTCTCGGCCTCCCGTAGCTTGCGCTTCTCC-3'